The following is an entry in ClinVar:

ClinVar aggregate classification (germline): Uncertain significance (1 of 4 stars; one submission).

Conditions:
Baller-Gerold syndrome (BGS). Also called: CRANIOSYNOSTOSIS WITH RADIAL DEFECTS. Identifiers: Orphanet 1225, MedGen C0265308, MONDO:0009039, OMIM 218600.

Allele frequency attached by ClinVar (database versions not stated): gnomAD exomes below 0.00001; ExAC 0.00001; TOPMed 0.00001.

Submission:

Labcorp Genetics (formerly Invitae), Labcorp
Classification: Uncertain significance for Baller-Gerold syndrome. Last evaluated: 2019-09-05. Review status: criteria provided, single submitter. Criteria: Invitae Variant Classification Sherloc (09022015). Collection method: clinical testing. Allele origin: germline.
Comment: This sequence change replaces phenylalanine with leucine at codon 617 of the RECQL4 protein (p.Phe617Leu). The phenylalanine residue is highly conserved conserved and there is a small physicochemical difference between phenylalanine and leucine. This variant is present in population databases (rs754403044, ExAC 0.01%). This variant has not been reported in the literature in individuals with RECQL4-related conditions. This variant has been reported to affect RECQL4 protein function (PMID: 28653661). In summary, the available evidence is currently insufficient to determine the role of this variant in disease. Therefore, it has been classified as a Variant of Uncertain Significance.

Literature cited by the submitters: PubMed 28653661.

NM_004260.4(RECQL4):c.1851C>G (p.Phe617Leu)

Gene: RECQL4 (RecQ like helicase 4; minus strand). Cytogenetic location: 8q24.3.
Variant type: single nucleotide variant.
Coding change: c.1851C>G on transcript NM_004260.4 (MANE Select); coding-DNA position 1851, C replaced by G.
Protein change: p.Phe617Leu; replaces phenylalanine 617 with leucine.
Molecular consequence: missense variant.
Genome position (GRCh38, 1-based): chr8:144,514,216, G>C on the plus strand (C>G on the coding strand, the complement: RECQL4 is on the minus strand). VCF-style: chr8-144514216-G-C. GRCh37 (hg19) VCF-style: chr8-145739600-G-C.
Other names: short protein forms F617L.
Identifiers: ClinVar variation 935952 (VCV000935952.5), dbSNP rs754403044, ClinGen allele CA4948637.